The following is an entry in ClinVar:

NM_000551.4(VHL):c.557A>C (p.Glu186Ala)

Genes: VHL (von Hippel-Lindau tumor suppressor; plus strand), LOC107303340 (3p25 von Hippel-Lindau tumor suppressor, E3 ubiquitin protein ligase Alu-mediated recombination region; plus strand). Cytogenetic location: 3p25.3.
Variant type: single nucleotide variant.
Coding change: c.557A>C on transcript NM_000551.4 (MANE Select); coding-DNA position 557, A replaced by C.
Protein change: p.Glu186Ala; replaces glutamic acid 186 with alanine.
Molecular consequence: missense variant. On other transcripts: 3 prime UTR variant (1), non-coding transcript variant (1).
Genome position (GRCh38, 1-based): chr3:10,149,880, A>C. VCF-style: chr3-10149880-A-C. GRCh37 (hg19) VCF-style: chr3-10191564-A-C.
Other names: c.*111A>C (NM_001354723.2); c.434A>C, p.Glu145Ala (NM_198156.3); short protein forms E186A, E145A.
Identifiers: ClinVar variation 4198754 (VCV004198754.1).

ClinVar aggregate classification (germline): Uncertain significance (1 of 4 stars; one submission).

Conditions:
Hereditary cancer-predisposing syndrome. Also called: Neoplastic Syndromes, Hereditary; Tumor predisposition; Hereditary Cancer Syndrome; Hereditary neoplastic syndrome. Identifiers: Orphanet 140162, MedGen C0027672, MeSH D009386, MONDO:0015356.

Submission:

Ambry Genetics
Classification: Uncertain significance for Hereditary cancer-predisposing syndrome. Last evaluated: 2025-07-23. Review status: criteria provided, single submitter. Criteria: Ambry Variant Classification Scheme 2023. Collection method: clinical testing. Allele origin: germline.
Comment: The p.E186A variant (also known as c.557A>C), located in coding exon 3 of the VHL gene, results from an A to C substitution at nucleotide position 557. The glutamic acid at codon 186 is replaced by alanine, an amino acid with dissimilar properties. This amino acid position is highly conserved in available vertebrate species. In addition, this alteration is predicted to be deleterious by in silico analysis. Based on the available evidence, the clinical significance of this variant remains unclear.